The following is an entry in ClinVar:

NM_017617.5(NOTCH1):c.3715T>C (p.Phe1239Leu)

Gene: NOTCH1 (notch receptor 1; minus strand). Cytogenetic location: 9q34.3.
Variant type: single nucleotide variant.
Coding change: c.3715T>C on transcript NM_017617.5 (MANE Select); coding-DNA position 3715, T replaced by C.
Protein change: p.Phe1239Leu; replaces phenylalanine 1239 with leucine.
Molecular consequence: missense variant.
Genome position (GRCh38, 1-based): chr9:136,506,902, A>G on the plus strand (T>C on the coding strand, the complement: NOTCH1 is on the minus strand). VCF-style: chr9-136506902-A-G. GRCh37 (hg19) VCF-style: chr9-139401354-A-G.
Other names: short protein forms F1239L.
Identifiers: ClinVar variation 860360 (VCV000860360.9), dbSNP rs1478449371, ClinGen allele CA375549501.

ClinVar aggregate classification (germline): Uncertain significance (1 of 4 stars; one submission).

Conditions:
Adams-Oliver syndrome 5 (AOS5). Identifiers: Orphanet 974, MedGen C4014970, MONDO:0014459, OMIM 616028.

Submission:

Labcorp Genetics (formerly Invitae), Labcorp
Classification: Uncertain significance for Adams-Oliver syndrome 5. Last evaluated: 2019-11-28. Review status: criteria provided, single submitter. Criteria: Invitae Variant Classification Sherloc (09022015). Collection method: clinical testing. Allele origin: germline.
Comment: This variant is not present in population databases (ExAC no frequency). This sequence change replaces phenylalanine with leucine at codon 1239 of the NOTCH1 protein (p.Phe1239Leu). The phenylalanine residue is highly conserved and there is a small physicochemical difference between phenylalanine and leucine. This variant has not been reported in the literature in individuals with NOTCH1-related conditions. In summary, the available evidence is currently insufficient to determine the role of this variant in disease. Therefore, it has been classified as a Variant of Uncertain Significance. Algorithms developed to predict the effect of missense changes on protein structure and function are either unavailable or do not agree on the potential impact of this missense change (SIFT: "Deleterious"; PolyPhen-2: "Probably Damaging"; Align-GVGD: "Class C15").